The following is an entry in ClinVar:

NM_020717.5(SHROOM4):c.1298G>A (p.Gly433Glu)

Gene: SHROOM4 (shroom family member 4; minus strand). Cytogenetic location: Xp11.22.
Variant type: single nucleotide variant.
Coding change: c.1298G>A on transcript NM_020717.5 (MANE Select); coding-DNA position 1298, G replaced by A.
Protein change: p.Gly433Glu; replaces glycine 433 with glutamic acid.
Molecular consequence: missense variant. On other transcripts: non-coding transcript variant (4).
Genome position (GRCh38, 1-based): chrX:50,634,775, C>T on the plus strand (G>A on the coding strand, the complement: SHROOM4 is on the minus strand). VCF-style: chrX-50634775-C-T. GRCh37 (hg19) VCF-style: chrX-50377775-C-T.
Other names: short protein forms G433E.
Identifiers: ClinVar variation 3376194 (VCV003376194.1).
Genomic context (GRCh38, chrX:50,634,775, plus strand): 5'-CTGCTGTGCAAAGGGGACAGAGTCCACTGGTGCCCATCCTGTACGGGTGGGAGCTCCATC[C>T]CTTTGCTGCCCCTGGTATCAAGGTGCACATGCTGCAGGTGGGATGCCAGCAGCTGTTCAG-3'
Protein context (NP_065768.2, residues 423-443): HVHLDTRGSK[Gly433Glu]MELPPVQDGH

ClinVar aggregate classification (germline): Uncertain significance (1 of 4 stars; one submission).

Conditions:
Intellectual developmental disorder, X-linked, syndromic, Stocco dos Santos type. Also called: STOCCO DOS SANTOS X-LINKED MENTAL RETARDATION SYNDROME; Stocco dos Santos syndrome; X-linked intellectual disability, Stocco dos Santos type. Identifiers: Orphanet 85288, MedGen C1845530, MONDO:0010325, OMIM 300434.

gnomAD v4.1: 4 of 1,209,915 alleles (0.00033%); highest among the groups gnomAD compares: African/African-American, 0.0035%; no homozygotes.

Submission:

Pittsburgh Clinical Genomics Laboratory, University of Pittsburgh Medical Center
Classification: Uncertain significance for Intellectual developmental disorder, X-linked, syndromic, Stocco dos Santos type. Last evaluated: 2022-12-08. Review status: criteria provided, single submitter. Criteria: ACMG Guidelines, 2015. Collection method: clinical testing. Allele origin: germline. Inheritance: X-linked inheritance. Affected: yes.
Comment: This sequence variant is a single nucleotide substitution (G>A) at coding position 1298 of the SHROOM4 gene that results in a glycine to glutamic acid amino acid change at residue 433 of the SHROOM4 protein. This variant has not been previously reported in an online database of clinically annotated variants (ClinVar). To our knowledge, this variant has not been observed in an individual with a SHROOM4-related disorder in the published literature. This variant is present in gnomAD population database in 1 of 183,022 alleles (0.0005%). Multiple bioinformatic tools predict that this glycine to glutamic acid amino acid change would be tolerated, though the glycine at this position is strongly conserved across the vertebrate species examined. Studies examining the functiol consequence of this variant have not been published, to our knowledge. At this time, there is insufficient evidence to determine if this variant is pathogenic or benign. Therefore, we consider this a variant of uncertain significance. ACMG Criteria: BP1, BP4, PM2